The following is an entry in ClinVar:

ClinVar aggregate classification (germline): Benign (1 of 4 stars; one submission).

Allele frequency attached by ClinVar (database versions not stated): TOPMed 0.18978; 1000 Genomes Project 30x 0.20768; 1000 Genomes Project 0.20887; ExAC 0.34150.
gnomAD v4.1: 261,473 of 1,396,278 alleles (19%); highest among the groups gnomAD compares: East Asian, 24%; 24,884 homozygotes.

Submission:

Unidad de Genómica Garrahan, Hospital de Pediatría Garrahan
Classification: Benign. Last evaluated: 2024-01-24. Review status: criteria provided, single submitter. Criteria: ACMG Guidelines, 2015. Collection method: clinical testing. Allele origin: germline. Affected: no. Observed: 26 variant alleles.
Comment: This variant is classified as Benign based on local population frequency. This variant was detected in 30% of patients studied by a panel of primary immunodeficiencies. Number of patients: 26. Only high quality variants are reported.

NM_052813.5(CARD9):c.1269+98T>C

Gene: CARD9 (caspase recruitment domain family member 9; minus strand). Cytogenetic location: 9q34.3.
Variant type: single nucleotide variant.
Coding change: c.1269+98T>C on transcript NM_052813.5 (MANE Select); 98 bases into the intron after coding-DNA position 1269, T replaced by C.
Molecular consequence: intron variant.
Genome position (GRCh38, 1-based): chr9:136,367,539, A>G on the plus strand (T>C on the coding strand, the complement: CARD9 is on the minus strand). VCF-style: chr9-136367539-A-G. GRCh37 (hg19) VCF-style: chr9-139261991-A-G.
Other names: c.1269+98T>C (NM_052814.4).
Identifiers: ClinVar variation 2688462 (VCV002688462.2), dbSNP rs3812556, ClinGen allele CA5332756.